The following is an entry in ClinVar:

NM_020822.3(KCNT1):c.1806CAA[1] (p.Asn603del)

Gene: KCNT1 (potassium sodium-activated channel subfamily T member 1; plus strand). Cytogenetic location: 9q34.3.
Variant type: Microsatellite.
Coding change: c.1806CAA[1] on transcript NM_020822.3 (MANE Select); one copy of the 3-base unit CAA starting at c.1806; the reference has two copies in a row; one copy, 3 bases deleted.
Protein change: p.Asn603del; deletes asparagine 603.
Molecular consequence: inframe deletion.
Genome position (GRCh38, 1-based): chr9:135,770,896-135,770,898, CAA deleted; deleting any 3 consecutive bases within chr9:135,770,892-135,770,898 gives the same sequence; the position shown is the placement nearest the transcript's 3' end. VCF-style (leftmost placement, unchanged base first): chr9-135770891-GACA-G. GRCh37 (hg19) VCF-style: chr9-138662737-GACA-G.
Other names: c.1809_1811delCAA (NM_020822.2); c.1671CAA[1], p.Asn558del (NM_001272003.2); short protein forms N558del, N603del.
Identifiers: ClinVar variation 1163912 (VCV001163912.15), dbSNP rs752708934, ClinGen allele CA5327085.

ClinVar aggregate classification (germline): Uncertain significance. Review status: criteria provided, multiple submitters, no conflicts (2 of 4 stars). 6 submissions from 5 submitters: Uncertain significance (6). Last evaluated 2025-10-10.

Conditions:
Inborn genetic diseases. Identifiers: MedGen C0950123, MeSH D030342.
Autosomal dominant nocturnal frontal lobe epilepsy 5. Also called: CILIARY DYSKINESIA, PRIMARY, 28, WITHOUT SITUS INVERSUS; Epilepsy, nocturnal frontal lobe, 5; KCNT1-Related Epilepsy; CILIARY DYSKINESIA, PRIMARY, 28, WITH SITUS INVERSUS. Identifiers: Orphanet 98784, MedGen C3554306, MONDO:0014002, OMIM 615005.
Developmental and epileptic encephalopathy, 14 (DEE14). Also called: Early infantile epileptic encephalopathy 14. Identifiers: Orphanet 293181, MedGen C3554195, MONDO:0013989, OMIM 614959.

Submissions (6):

Labcorp Genetics (formerly Invitae), Labcorp
Classification: Uncertain significance for Autosomal dominant nocturnal frontal lobe epilepsy 5; Developmental and epileptic encephalopathy, 14. Last evaluated: 2025-10-10. Review status: criteria provided, single submitter. Criteria: Invitae Variant Classification Sherloc (09022015). Collection method: clinical testing. Allele origin: germline.
Comment: This variant, c.1809_1811del, results in the deletion of 1 amino acid(s) of the KCNT1 protein (p.Asn603del), but otherwise preserves the integrity of the reading frame. This variant is present in population databases (rs752708934, gnomAD 0.009%). This variant has not been reported in the literature in individuals affected with KCNT1-related conditions. ClinVar contains an entry for this variant (Variation ID: 1163912). Experimental studies and prediction algorithms are not available or were not evaluated, and the functional significance of this variant is currently unknown. In summary, the available evidence is currently insufficient to determine the role of this variant in disease. Therefore, it has been classified as a Variant of Uncertain Significance.

Genome-Nilou Lab
Classification: Uncertain significance for Developmental and epileptic encephalopathy, 14. Last evaluated: 2022-03-15. Review status: criteria provided, single submitter. Criteria: ACMG Guidelines, 2015. Collection method: clinical testing. Allele origin: germline. Affected: no.

Genome-Nilou Lab
Classification: Uncertain significance for Autosomal dominant nocturnal frontal lobe epilepsy 5. Last evaluated: 2022-03-15. Review status: criteria provided, single submitter. Criteria: ACMG Guidelines, 2015. Collection method: clinical testing. Allele origin: germline. Affected: no.

Ambry Genetics
Classification: Uncertain significance for Inborn genetic diseases. Last evaluated: 2021-08-16. Review status: criteria provided, single submitter. Criteria: Ambry Variant Classification Scheme 2023. Collection method: clinical testing. Allele origin: germline.
Comment: The c.1809_1811delCAA (p.N603del) alteration is located in exon 18 (coding exon 18) of the KCNT1 gene. This alteration consists of an in-frame deletion of 3 nucleotides between nucleotide positions c.1809 and c.1811, resulting in the deletion of 1 residue. Based on insufficient or conflicting evidence, the clinical significance of this alteration remains unclear.

GeneDx
Classification: Uncertain significance. Last evaluated: 2019-04-15. Review status: criteria provided, single submitter. Criteria: GeneDx Variant Classification Process June 2021. Collection method: clinical testing. Allele origin: germline. Affected: yes.
Comment: In-frame deletion of 1 amino acid in a non-repeat region; In silico analysis, which includes protein predictors and evolutionary conservation, supports a deleterious effect; Has not been previously published as pathogenic or benign to our knowledge

Mayo Clinic Laboratories, Mayo Clinic
Classification: Uncertain significance. Last evaluated: 2019-04-07. Review status: criteria provided, single submitter. Criteria: ACMG Guidelines, 2015. Collection method: clinical testing. Allele origin: germline. Observed: 1 variant allele.